The following is an entry in ClinVar:

NM_005502.4(ABCA1):c.6242G>A (p.Arg2081Gln)

Genes: ABCA1 (ATP binding cassette subfamily A member 1; minus strand), NIPSNAP3B (nipsnap homolog 3B; plus strand). Cytogenetic location: 9q31.1.
Variant type: single nucleotide variant.
Coding change: c.6242G>A on transcript NM_005502.4 (MANE Select); coding-DNA position 6242, G replaced by A.
Protein change: p.Arg2081Gln; replaces arginine 2081 with glutamine.
Molecular consequence: missense variant.
Genome position (GRCh38, 1-based): chr9:104,786,939, C>T on the plus strand (G>A on the coding strand, the complement: ABCA1 is on the minus strand). VCF-style: chr9-104786939-C-T. GRCh37 (hg19) VCF-style: chr9-107549220-C-T.
Other names: short protein forms R2081Q.
Identifiers: ClinVar variation 3490013 (VCV003490013.2).

ClinVar aggregate classification (germline): Likely pathogenic (1 of 4 stars; one submission).

Conditions:
Cardiovascular phenotype. Identifiers: MedGen CN230736.

gnomAD v4.1: 13 of 1,613,880 alleles (0.00081%); highest among the groups gnomAD compares: Admixed American, 0.0067%; no homozygotes.

Submission:

Ambry Genetics
Classification: Likely pathogenic for Cardiovascular phenotype. Last evaluated: 2025-02-14. Review status: criteria provided, single submitter. Criteria: Ambry Variant Classification Scheme 2023. Collection method: clinical testing. Allele origin: germline.
Comment: The p.R2081Q variant (also known as c.6242G>A), located in coding exon 46 of the ABCA1 gene, results from a G to A substitution at nucleotide position 6242. The arginine at codon 2081 is replaced by glutamine, an amino acid with highly similar properties. This variant has been reported in a case report of HDL deficiency; however, two additional variants in ABCA1 were also identified (Malick WA et al. JACC Case Rep, 2023 Jul;18:101904). This variant has been identified in conjunction with other ABCA1 variant(s) in individual(s) with features consistent with ABCA1-related high density lipoprotein deficiency; in at least one instance, the variants were identified in trans (Ambry internal data). This amino acid position is highly conserved in available vertebrate species. In addition, this alteration is predicted to be deleterious by in silico analysis. Based on the majority of available evidence to date, this variant is likely to be pathogenic.

Literature cited by the submitters: PubMed 37545679.